The following is an entry in ClinVar:

ClinVar aggregate classification (germline): Benign/Likely benign. Review status: criteria provided, multiple submitters, no conflicts (2 of 4 stars). 5 submissions from 5 submitters: Benign (1); Likely benign (3). 1 of the submissions does not count toward it. Last evaluated 2025-03-19.

Conditions:
Oto-palato-digital syndrome, type II (OPD2). Also called: Otopalatodigital Syndrome Type 2 (FLNA-OPD2); Otopalatodigital Syndrome, Type II; OPD II SYNDROME; FACIOPALATOOSSEOUS SYNDROME. Identifiers: Orphanet 669, Orphanet 90652, MedGen C1844696, MONDO:0010571, OMIM 304120.
Heterotopia, periventricular, X-linked dominant (PVNH1). Also called: PERIVENTRICULAR NODULAR HETEROTOPIA 1; PERIVENTRICULAR NODULAR HETEROTOPIA 4; HETEROTOPIA, PERIVENTRICULAR, 1; X-linked periventricular heterotopia. Identifiers: Orphanet 2149, Orphanet 82004, MedGen C1848213, MONDO:0010233, OMIM 300049.
Melnick-Needles syndrome (MNS). Also called: Melnick-Needles Syndrome (FLNA-MNS); OSTEODYSPLASTY OF MELNICK AND NEEDLES; MELNICK-NEEDLES OSTEODYSPLASTY. Identifiers: Orphanet 2484, MedGen C0025237, MONDO:0010650, OMIM 309350.
Frontometaphyseal dysplasia (FMD1). Identifiers: Orphanet 1826, MedGen C0265293, MONDO:0015942.
FLNA-related disorder.
Familial thoracic aortic aneurysm and aortic dissection (TAAD). Also called: Thoracic aortic aneurysms and dissections. Identifiers: Orphanet 91387, MedGen C4707243, MONDO:0019625.
Connective tissue disorder. Also called: Connective tissue disease. Identifiers: MedGen C0009782, MONDO:0003900.

Allele frequency attached by ClinVar (database versions not stated): gnomAD 0.00001; TOPMed 0.00002; gnomAD exomes 0.00004 and 0.00008; ExAC 0.00016.
gnomAD v4.1: 44 of 1,202,729 alleles (0.0037%); highest among the groups gnomAD compares: South Asian, 0.063%; no homozygotes.

Submissions (5):

Labcorp Genetics (formerly Invitae), Labcorp
Classification: Benign for Oto-palato-digital syndrome, type II; Heterotopia, periventricular, X-linked dominant; Frontometaphyseal dysplasia; Melnick-Needles syndrome. Last evaluated: 2025-03-19. Review status: criteria provided, single submitter. Criteria: Invitae Variant Classification Sherloc (09022015). Collection method: clinical testing. Allele origin: germline.

Blueprint Genetics
Classification: Likely benign. Last evaluated: 2024-11-11. Review status: criteria provided, single submitter. Criteria: ACMG Guidelines, 2015. Collection method: clinical testing. Allele origin: germline.

Ambry Genetics
Classification: Likely benign for Familial thoracic aortic aneurysm and aortic dissection. Last evaluated: 2020-09-16. Review status: criteria provided, single submitter. Criteria: Ambry Variant Classification Scheme 2023. Collection method: clinical testing. Allele origin: germline.

Center for Human Genetics, Inc
Classification: Likely benign for Connective tissue disorder. Last evaluated: 2016-11-01. Review status: criteria provided, single submitter. Criteria: ACMG Guidelines, 2015. Collection method: clinical testing. Allele origin: germline. Affected: yes.

PreventionGenetics, part of Exact Sciences
Classification: Likely benign for FLNA-related condition. Last evaluated: 2024-05-16. Review status: no assertion criteria provided. Collection method: clinical testing. Allele origin: germline. Not counted in ClinVar's aggregate classification.
Comment: This variant is classified as likely benign based on ACMG/AMP sequence variant interpretation guidelines (Richards et al. 2015 PMID: 25741868, with internal and published modifications).

NM_001110556.2(FLNA):c.2313G>A (p.Lys771=)

Gene: FLNA (filamin A; minus strand). Cytogenetic location: Xq28.
Variant type: single nucleotide variant.
Coding change: c.2313G>A on transcript NM_001110556.2 (MANE Select); coding-DNA position 2313, G replaced by A.
Protein change: p.Lys771=; no amino-acid change (lysine 771 retained).
Molecular consequence: synonymous variant.
Genome position (GRCh38, 1-based): chrX:154,362,752, C>T on the plus strand (G>A on the coding strand, the complement: FLNA is on the minus strand). VCF-style: chrX-154362752-C-T. GRCh37 (hg19) VCF-style: chrX-153591120-C-T.
Other names: c.2313G>A (NM_001110556.1); c.2313G>A, p.Lys771= (NM_001456.4).
Identifiers: ClinVar variation 533595 (VCV000533595.12), dbSNP rs782741007, ClinGen allele CA10560956.